The following is an entry in ClinVar:

ClinVar aggregate classification (germline): Uncertain significance (1 of 4 stars; one submission).

Allele frequency attached by ClinVar (database versions not stated): gnomAD exomes below 0.00001; ExAC 0.00001; gnomAD 0.00001; 1000 Genomes Project 30x 0.00016; 1000 Genomes Project 0.00020.
gnomAD v4.1: 4 of 1,576,800 alleles (0.00025%); highest among the groups gnomAD compares: Admixed American, 0.002%; no homozygotes.

Submission:

Labcorp Genetics (formerly Invitae), Labcorp
Classification: Uncertain significance. Last evaluated: 2024-04-30. Review status: criteria provided, single submitter. Criteria: Invitae Variant Classification Sherloc (09022015). Collection method: clinical testing. Allele origin: germline.
Comment: This sequence change falls in intron 16 of the KAT6A gene. It does not directly change the encoded amino acid sequence of the KAT6A protein. It affects a nucleotide within the consensus splice site. This variant is present in population databases (rs189459867, gnomAD 0.004%). This variant has not been reported in the literature in individuals affected with KAT6A-related conditions. Variants that disrupt the consensus splice site are a relatively common cause of aberrant splicing (PMID: 17576681, 9536098). Algorithms developed to predict the effect of sequence changes on RNA splicing suggest that this variant is not likely to affect RNA splicing. In summary, the available evidence is currently insufficient to determine the role of this variant in disease. Therefore, it has been classified as a Variant of Uncertain Significance.

Literature cited by the submitters: PubMed 17576681; PubMed 9536098.

NM_006766.5(KAT6A):c.3353-3T>C

Gene: KAT6A (lysine acetyltransferase 6A; minus strand). Cytogenetic location: 8p11.21.
Variant type: single nucleotide variant.
Coding change: c.3353-3T>C on transcript NM_006766.5 (MANE Select); 3 bases into the intron before coding-DNA position 3353, T replaced by C.
Molecular consequence: intron variant.
Genome position (GRCh38, 1-based): chr8:41,934,870, A>G on the plus strand (T>C on the coding strand, the complement: KAT6A is on the minus strand). VCF-style: chr8-41934870-A-G. GRCh37 (hg19) VCF-style: chr8-41792388-A-G.
Identifiers: ClinVar variation 3020401 (VCV003020401.3), dbSNP rs189459867, ClinGen allele CA4729686.